The following is an entry in ClinVar:

NM_001142800.2(EYS):c.3026T>C (p.Leu1009Pro)

Gene: EYS (eyes shut homolog; minus strand). Cytogenetic location: 6q12.
Variant type: single nucleotide variant.
Coding change: c.3026T>C on transcript NM_001142800.2 (MANE Select); coding-DNA position 3026, T replaced by C.
Protein change: p.Leu1009Pro; replaces leucine 1009 with proline.
Molecular consequence: missense variant.
Genome position (GRCh38, 1-based): chr6:64,822,789, A>G on the plus strand (T>C on the coding strand, the complement: EYS is on the minus strand). VCF-style: chr6-64822789-A-G. GRCh37 (hg19) VCF-style: chr6-65532682-A-G.
Other names: c.3026T>C, p.Leu1009Pro (NM_001292009.2); short protein forms L1009P.
Identifiers: ClinVar variation 1984468 (VCV001984468.1), dbSNP rs754397582, ClinGen allele CA3877224.

ClinVar aggregate classification (germline): Uncertain significance (1 of 4 stars; one submission).

Allele frequency attached by ClinVar (database versions not stated): TOPMed below 0.00001; gnomAD 0.00001; gnomAD exomes 0.00001; ExAC 0.00005.
gnomAD v4.1: 4 of 1,549,852 alleles (0.00026%); highest among the groups gnomAD compares: Middle Eastern, 0.017%; no homozygotes.

Submission:

Labcorp Genetics (formerly Invitae), Labcorp
Classification: Uncertain significance. Last evaluated: 2022-10-18. Review status: criteria provided, single submitter. Criteria: Invitae Variant Classification Sherloc (09022015). Collection method: clinical testing. Allele origin: germline.
Comment: This sequence change replaces leucine, which is neutral and non-polar, with proline, which is neutral and non-polar, at codon 1009 of the EYS protein (p.Leu1009Pro). This variant is present in population databases (rs754397582, gnomAD 0.004%). This variant has not been reported in the literature in individuals affected with EYS-related conditions. Advanced modeling of protein sequence and biophysical properties (such as structural, functional, and spatial information, amino acid conservation, physicochemical variation, residue mobility, and thermodynamic stability) has been performed at Invitae for this missense variant, however the output from this modeling did not meet the statistical confidence thresholds required to predict the impact of this variant on EYS protein function. In summary, the available evidence is currently insufficient to determine the role of this variant in disease. Therefore, it has been classified as a Variant of Uncertain Significance.